The following is an entry in ClinVar:

ClinVar aggregate classification (germline): Uncertain significance (1 of 4 stars; one submission).

Conditions:
PLXNA2-related disorder. Also called: PLXNA2-related condition.

gnomAD v4.1: 2 of 1,614,230 alleles (0.00012%); highest among the groups gnomAD compares: Non-Finnish European, 0.000085%; no homozygotes.

Submission:

PreventionGenetics, part of Exact Sciences
Classification: Uncertain significance for PLXNA2-related condition. Last evaluated: 2026-03-24. Review status: criteria provided, single submitter. Criteria: ACMG Guidelines, 2015. Collection method: clinical testing. Allele origin: germline.
Comment: The PLXNA2 c.4141C>A variant is predicted to result in the amino acid substitution p.Arg1381Ser. To our knowledge, this variant has not been reported in the literature or in a large population database (gnomAD), indicating this variant is rare. At this time, the clinical significance of this variant is uncertain due to the absence of conclusive functional and genetic evidence.

NM_025179.4(PLXNA2):c.4141C>A (p.Arg1381Ser)

Gene: PLXNA2 (plexin A2; minus strand). Cytogenetic location: 1q32.2.
Variant type: single nucleotide variant.
Coding change: c.4141C>A on transcript NM_025179.4 (MANE Select); coding-DNA position 4141, C replaced by A.
Protein change: p.Arg1381Ser; replaces arginine 1381 with serine.
Molecular consequence: missense variant.
Genome position (GRCh38, 1-based): chr1:208,042,243, G>T on the plus strand (C>A on the coding strand, the complement: PLXNA2 is on the minus strand). VCF-style: chr1-208042243-G-T. GRCh37 (hg19) VCF-style: chr1-208215588-G-T.
Other names: short protein forms R1381S.
Identifiers: ClinVar variation 4984485 (VCV004984485.1).